The following is an entry in ClinVar:

ClinVar aggregate classification (germline): Uncertain significance (1 of 4 stars; one submission).

Allele frequency attached by ClinVar (database versions not stated): gnomAD 0.00001; gnomAD exomes 0.00001; TOPMed 0.00001.
gnomAD v4.1: 10 of 1,614,204 alleles (0.00062%); highest among the groups gnomAD compares: South Asian, 0.0033%; no homozygotes.

Submission:

Labcorp Genetics (formerly Invitae), Labcorp
Classification: Uncertain significance. Last evaluated: 2023-07-18. Review status: criteria provided, single submitter. Criteria: Invitae Variant Classification Sherloc (09022015). Collection method: clinical testing. Allele origin: germline.
Comment: In summary, the available evidence is currently insufficient to determine the role of this variant in disease. Therefore, it has been classified as a Variant of Uncertain Significance. Advanced modeling of protein sequence and biophysical properties (such as structural, functional, and spatial information, amino acid conservation, physicochemical variation, residue mobility, and thermodynamic stability) performed at Invitae indicates that this missense variant is expected to disrupt ARHGEF10 protein function. This variant has not been reported in the literature in individuals affected with ARHGEF10-related conditions. This variant is present in population databases (rs536694445, gnomAD 0.003%). This sequence change replaces alanine, which is neutral and non-polar, with threonine, which is neutral and polar, at codon 682 of the ARHGEF10 protein (p.Ala682Thr).

NM_014629.4(ARHGEF10):c.2044G>A (p.Ala682Thr)

Gene: ARHGEF10 (Rho guanine nucleotide exchange factor 10; plus strand). Cytogenetic location: 8p23.3.
Variant type: single nucleotide variant.
Coding change: c.2044G>A on transcript NM_014629.4 (MANE Select); coding-DNA position 2044, G replaced by A.
Protein change: p.Ala682Thr; replaces alanine 682 with threonine.
Molecular consequence: missense variant.
Genome position (GRCh38, 1-based): chr8:1,909,371, G>A. VCF-style: chr8-1909371-G-A. GRCh37 (hg19) VCF-style: chr8-1857537-G-A.
Other names: c.1930G>A, p.Ala644Thr (NM_001308152.2); c.2044G>A, p.Ala682Thr (NM_001308153.3); short protein forms A644T, A682T, A706T.
Identifiers: ClinVar variation 2986134 (VCV002986134.3), dbSNP rs536694445, ClinGen allele CA170604338.